The following is an entry in ClinVar:

NM_017617.5(NOTCH1):c.578G>T (p.Gly193Val)

Gene: NOTCH1 (notch receptor 1; minus strand). Cytogenetic location: 9q34.3.
Variant type: single nucleotide variant.
Coding change: c.578G>T on transcript NM_017617.5 (MANE Select); coding-DNA position 578, G replaced by T.
Protein change: p.Gly193Val; replaces glycine 193 with valine.
Molecular consequence: missense variant.
Genome position (GRCh38, 1-based): chr9:136,523,014, C>A on the plus strand (G>T on the coding strand, the complement: NOTCH1 is on the minus strand). VCF-style: chr9-136523014-C-A. GRCh37 (hg19) VCF-style: chr9-139417466-C-A.
Other names: short protein forms G193V.
Identifiers: ClinVar variation 1064064 (VCV001064064.9), dbSNP rs774966208, ClinGen allele CA375570086.

ClinVar aggregate classification (germline): Uncertain significance (1 of 4 stars; one submission).

Conditions:
Adams-Oliver syndrome 5 (AOS5). Identifiers: Orphanet 974, MedGen C4014970, MONDO:0014459, OMIM 616028.

Submission:

Labcorp Genetics (formerly Invitae), Labcorp
Classification: Uncertain significance for Adams-Oliver syndrome 5. Last evaluated: 2022-07-19. Review status: criteria provided, single submitter. Criteria: Invitae Variant Classification Sherloc (09022015). Collection method: clinical testing. Allele origin: germline.
Comment: In summary, the available evidence is currently insufficient to determine the role of this variant in disease. Therefore, it has been classified as a Variant of Uncertain Significance. Advanced modeling of protein sequence and biophysical properties (such as structural, functional, and spatial information, amino acid conservation, physicochemical variation, residue mobility, and thermodynamic stability) performed at Invitae indicates that this missense variant is expected to disrupt NOTCH1 protein function. ClinVar contains an entry for this variant (Variation ID: 1064064). This variant has not been reported in the literature in individuals affected with NOTCH1-related conditions. This variant is not present in population databases (gnomAD no frequency). This sequence change replaces glycine, which is neutral and non-polar, with valine, which is neutral and non-polar, at codon 193 of the NOTCH1 protein (p.Gly193Val).